The following is an entry in ClinVar:

ClinVar aggregate classification (germline): Uncertain significance (1 of 4 stars; one submission).

gnomAD v4.1: 1 of 1,614,086 alleles (0.000062%); highest among the groups gnomAD compares: Non-Finnish European, 0.000085%; no homozygotes.

Submission:

Labcorp Genetics (formerly Invitae), Labcorp
Classification: Uncertain significance. Last evaluated: 2025-03-02. Review status: criteria provided, single submitter. Criteria: Invitae Variant Classification Sherloc (09022015). Collection method: clinical testing. Allele origin: germline.
Comment: This sequence change replaces leucine, which is neutral and non-polar, with serine, which is neutral and polar, at codon 22 of the PLA2G5 protein (p.Leu22Ser). This variant is present in population databases (rs754846369, gnomAD 0.0009%). This variant has not been reported in the literature in individuals affected with PLA2G5-related conditions. An algorithm developed to predict the effect of missense changes on protein structure and function (PolyPhen-2) suggests that this variant is likely to be disruptive. In summary, the available evidence is currently insufficient to determine the role of this variant in disease. Therefore, it has been classified as a Variant of Uncertain Significance.

NM_000929.3(PLA2G5):c.65T>C (p.Leu22Ser)

Gene: PLA2G5 (phospholipase A2 group V; plus strand). Cytogenetic location: 1p36.13.
Variant type: single nucleotide variant.
Coding change: c.65T>C on transcript NM_000929.3 (MANE Select); coding-DNA position 65, T replaced by C.
Protein change: p.Leu22Ser; replaces leucine 22 with serine.
Molecular consequence: missense variant.
Genome position (GRCh38, 1-based): chr1:20,086,107, T>C. VCF-style: chr1-20086107-T-C. GRCh37 (hg19) VCF-style: chr1-20412600-T-C.
Other names: short protein forms L22S.
Identifiers: ClinVar variation 4799368 (VCV004799368.1).
Genomic context (GRCh38, chr1:20,086,107, plus strand): 5'-CCTGGGTGTCACCTGGGGACATGGGCTATCTTCCAGGTGTGCCTGCTGTGCAAGGAGGCT[T>C]GCTGGACCTAAAATCAATGATCGAGAAGGTGACAGGGAAGAACGCCCTGACAAACTACGG-3'
Protein context (NP_000920.1, residues 12-32): ACSVPAVQGG[Leu22Ser]LDLKSMIEKV